The following is an entry in ClinVar:

NM_001128840.3(CACNA1D):c.4575G>A (p.Arg1525=)

Gene: CACNA1D (calcium voltage-gated channel subunit alpha1 D; plus strand). Cytogenetic location: 3p21.1.
Variant type: single nucleotide variant.
Coding change: c.4575G>A on transcript NM_001128840.3 (MANE Select); coding-DNA position 4575, G replaced by A.
Protein change: p.Arg1525=; no amino-acid change (arginine 1525 retained).
Molecular consequence: synonymous variant.
Genome position (GRCh38, 1-based): chr3:53,776,944, G>A. VCF-style: chr3-53776944-G-A. GRCh37 (hg19) VCF-style: chr3-53810971-G-A.
Other names: c.4635G>A, p.Arg1545= (NM_000720.4); c.4530G>A, p.Arg1510= (NM_001128839.3).
Identifiers: ClinVar variation 504768 (VCV000504768.4), dbSNP rs371203266, ClinGen allele CA74849075.
Genomic context (GRCh38, chr3:53,776,944, plus strand): 5'-GGTCACTCTGCTTCGACGCATCCAGCCTCCCCTGGGGTTTGGGAAGTTATGTCCACACAG[G>A]GTAGCGTGCAAGGTGAGTGTCCTGTGTGCGTGTCTGACAGCCTGTCTTGTAGAAGCTTGC-3'
Protein context (NP_001122312.1, residues 1515-1535): PLGFGKLCPH[Arg1525=]VACKRLVAMN

ClinVar aggregate classification (germline): Likely benign (1 of 4 stars; one submission).

Allele frequency attached by ClinVar (database versions not stated): gnomAD 0.00003; TOPMed 0.00001 and below 0.00001; ESP Exome Variant Server 0.00008.
gnomAD v4.1: 25 of 1,613,528 alleles (0.0015%); highest among the groups gnomAD compares: Non-Finnish European, 0.0021%; no homozygotes.

Submission:

Laboratory for Molecular Medicine, Mass General Brigham Personalized Medicine
Classification: Likely benign. Last evaluated: 2014-11-24. Review status: criteria provided, single submitter. Criteria: LMM Criteria. Collection method: clinical testing. Allele origin: germline. Observed: 1 variant allele.
Comment: Arg1545Arg in exon 38 of CACNA1D: This variant is not expected to have clinical significance because it does not alter an amino acid residue and is not located within the splice consensus sequence. It has been identified in 1/8600 European American chromosomes from a broad population by the NHLBI Exome Sequencing Proje ct.